The following is an entry in ClinVar:

ClinVar aggregate classification (germline): Likely benign. Review status: criteria provided, single submitter (1 of 4 stars). 2 submissions from 2 submitters: Likely benign (1). 1 of the submissions does not count toward it. Last evaluated 2018-07-13.

Conditions:
PLXNA3-related disorder. Also called: PLXNA3-related condition.

Allele frequency attached by ClinVar (database versions not stated): gnomAD exomes 0.00001 and 0.00002; ExAC 0.00003; gnomAD 0.00009 and 0.00010; TOPMed 0.00011.
gnomAD v4.1: 18 of 1,210,007 alleles (0.0015%); highest among the groups gnomAD compares: African/African-American, 0.028%; no homozygotes.

Submissions (2):

Labcorp Genetics (formerly Invitae), Labcorp
Classification: Likely benign. Last evaluated: 2018-07-13. Review status: criteria provided, single submitter. Criteria: Invitae Variant Classification Sherloc (09022015). Collection method: clinical testing. Allele origin: germline.

PreventionGenetics, part of Exact Sciences
Classification: Likely benign for PLXNA3-related condition. Last evaluated: 2022-09-02. Review status: no assertion criteria provided. Collection method: clinical testing. Allele origin: germline. Not counted in ClinVar's aggregate classification.
Comment: This variant is classified as likely benign based on ACMG/AMP sequence variant interpretation guidelines (Richards et al. 2015 PMID: 25741868, with internal and published modifications).

NM_017514.5(PLXNA3):c.5301G>A (p.Gly1767=)

Gene: PLXNA3 (plexin A3; plus strand). Cytogenetic location: Xq28.
Variant type: single nucleotide variant.
Coding change: c.5301G>A on transcript NM_017514.5 (MANE Select); coding-DNA position 5301, G replaced by A.
Protein change: p.Gly1767=; no amino-acid change (glycine 1767 retained).
Molecular consequence: synonymous variant.
Genome position (GRCh38, 1-based): chrX:154,471,249, G>A. VCF-style: chrX-154471249-G-A. GRCh37 (hg19) VCF-style: chrX-153699592-G-A.
Identifiers: ClinVar variation 760230 (VCV000760230.5), dbSNP rs781976607, ClinGen allele CA10565088.